The following is an entry in ClinVar:

NM_152564.5(VPS13B):c.3445+7_3445+9dup

Gene: VPS13B (vacuolar protein sorting 13 homolog B; plus strand). Cytogenetic location: 8q22.2.
Variant type: Duplication.
Coding change: c.3445+7_3445+9dup on transcript NM_152564.5 (MANE Select); bases 7 to 9 of the intron after coding-DNA position 3445, 3 bases duplicated (GTT; older notation c.3445+7_3445+9dupGTT).
Molecular consequence: intron variant.
Genome position (GRCh38, 1-based): chr8:99,442,642-99,442,644, GTT duplicated; duplicating any 3 consecutive bases within chr8:99,442,641-99,442,644 gives the same sequence; the c. name uses the placement nearest the transcript's 3' end. VCF-style (leftmost placement, unchanged base first): chr8-99442640-A-ATGT. GRCh37 (hg19) VCF-style: chr8-100454868-A-ATGT.
Other names: c.3445+7_3445+9dupGTT (NM_152564.4, NM_017890.4); c.3445+7_3445+9dup (NM_017890.5).
Identifiers: ClinVar variation 448876 (VCV000448876.13), dbSNP rs1335342521, ClinGen allele CA658657814.

ClinVar aggregate classification (germline): Conflicting classifications of pathogenicity. Review status: criteria provided, conflicting classifications (1 of 4 stars). 3 submissions from 3 submitters: Uncertain significance (1); Likely benign (1). 1 of the submissions does not count toward it. Last evaluated 2026-01-18.

Conditions:
VPS13B-related disorder. Also called: VPS13B-related condition.
Cohen syndrome (COH1). Also called: PEPPER SYNDROME; Cutis verticis gyrata, retinitis pigmentosa, and sensorineural deafness. Identifiers: Orphanet 193, MedGen C0265223, MONDO:0008999, OMIM 216550.

Submissions (3):

Labcorp Genetics (formerly Invitae), Labcorp
Classification: Likely benign for Cohen syndrome. Last evaluated: 2026-01-18. Review status: criteria provided, single submitter. Criteria: Invitae Variant Classification Sherloc (09022015). Collection method: clinical testing. Allele origin: germline.

Athena Diagnostics
Classification: Uncertain significance. Last evaluated: 2016-10-14. Review status: criteria provided, single submitter. Criteria: Athena Diagnostics Criteria. Collection method: clinical testing. Allele origin: germline.

PreventionGenetics, part of Exact Sciences
Classification: Likely benign for VPS13B-related condition. Last evaluated: 2023-08-28. Review status: no assertion criteria provided. Collection method: clinical testing. Allele origin: germline. Not counted in ClinVar's aggregate classification.
Comment: This variant is classified as likely benign based on ACMG/AMP sequence variant interpretation guidelines (Richards et al. 2015 PMID: 25741868, with internal and published modifications).